The following is an entry in ClinVar:

NM_001145809.2(MYH14):c.2391C>G (p.Gly797=)

Gene: MYH14 (myosin heavy chain 14; plus strand). Cytogenetic location: 19q13.33.
Variant type: single nucleotide variant.
Coding change: c.2391C>G on transcript NM_001145809.2 (MANE Select); coding-DNA position 2391, C replaced by G.
Protein change: p.Gly797=; no amino-acid change (glycine 797 retained).
Molecular consequence: synonymous variant.
Genome position (GRCh38, 1-based): chr19:50,260,682, C>G. VCF-style: chr19-50260682-C-G. GRCh37 (hg19) VCF-style: chr19-50763939-C-G.
Other names: c.2292C>G, p.Gly764= (NM_001077186.2); c.2268C>G, p.Gly756= (NM_024729.4).
Identifiers: ClinVar variation 3053851 (VCV003053851.8), dbSNP rs2514385430, ClinGen allele CA508175431.

ClinVar aggregate classification (germline): Likely benign. Review status: criteria provided, single submitter (1 of 4 stars). 2 submissions from 2 submitters: Likely benign (1). 1 of the submissions does not count toward it. Last evaluated 2025-11-01.

Conditions:
MYH14-related disorder. Also called: MYH14-related condition.

Submissions (2):

CeGaT Center for Human Genetics Tuebingen
Classification: Likely benign. Last evaluated: 2025-11-01. Review status: criteria provided, single submitter. Criteria: CeGaT Center For Human Genetics Tuebingen Variant Classification Criteria Version 2. Collection method: clinical testing. Allele origin: germline. Affected: yes. Observed: 1 variant allele.
Comment: MYH14: PM2:Supporting, BP4, BP7

PreventionGenetics, part of Exact Sciences
Classification: Likely benign for MYH14-related condition. Last evaluated: 2024-01-05. Review status: no assertion criteria provided. Collection method: clinical testing. Allele origin: germline. Not counted in ClinVar's aggregate classification.
Comment: This variant is classified as likely benign based on ACMG/AMP sequence variant interpretation guidelines (Richards et al. 2015 PMID: 25741868, with internal and published modifications).